The following is an entry in ClinVar:

ClinVar aggregate classification (germline): Likely benign. Review status: criteria provided, multiple submitters, no conflicts (2 of 4 stars). 2 submissions from 2 submitters: Likely benign (2). Last evaluated 2026-04-26.

Conditions:
HERC1-related disorder. Also called: HERC1-related condition.

gnomAD v4.1: 2 of 1,613,464 alleles (0.00012%); highest among the groups gnomAD compares: Non-Finnish European, 0.00017%; no homozygotes.

Submissions (2):

PreventionGenetics, part of Exact Sciences
Classification: Likely benign for HERC1-related condition. Last evaluated: 2026-04-26. Review status: criteria provided, single submitter. Criteria: ACMG Guidelines, 2015. Collection method: clinical testing. Allele origin: germline.
Comment: This variant is classified as likely benign based on ACMG/AMP sequence variant interpretation guidelines (Richards et al. 2015 PMID: 25741868, with internal and published modifications).

Labcorp Genetics (formerly Invitae), Labcorp
Classification: Likely benign. Last evaluated: 2024-04-03. Review status: criteria provided, single submitter. Criteria: Invitae Variant Classification Sherloc (09022015). Collection method: clinical testing. Allele origin: germline.

NM_003922.4(HERC1):c.2838G>A (p.Lys946=)

Gene: HERC1 (HECT and RLD domain containing E3 ubiquitin protein ligase family member 1; minus strand). Cytogenetic location: 15q22.31.
Variant type: single nucleotide variant.
Coding change: c.2838G>A on transcript NM_003922.4 (MANE Select); coding-DNA position 2838, G replaced by A.
Protein change: p.Lys946=; no amino-acid change (lysine 946 retained).
Molecular consequence: synonymous variant.
Genome position (GRCh38, 1-based): chr15:63,732,954, C>T on the plus strand (G>A on the coding strand, the complement: HERC1 is on the minus strand). VCF-style: chr15-63732954-C-T. GRCh37 (hg19) VCF-style: chr15-64025153-C-T.
Other names: c.2838G>A (NM_003922.3).
Identifiers: ClinVar variation 3646622 (VCV003646622.3).
Genomic context (GRCh38, chr15:63,732,954, plus strand): 5'-TTTTTTTACTACAATGAAAGAACAACTTACTGTATAAAATCCTAAATTTCTTAAGAGGGT[C>T]TTCATCAAAATTTCAGCCAGGTGGGTATCTGGATGGCAGCTCTGAGTGCCGTAAGGTTGA-3'
Protein context (NP_003913.3, residues 936-956): PDTHLAEILM[Lys946=]TLLRNLGFYT